The following is an entry in ClinVar:

NM_016277.5(RAB23):c.90C>G (p.Cys30Trp)

Gene: RAB23 (RAB23, member RAS oncogene family; minus strand). Cytogenetic location: 6p11.2.
Variant type: single nucleotide variant.
Coding change: c.90C>G on transcript NM_016277.5 (MANE Select); coding-DNA position 90, C replaced by G.
Protein change: p.Cys30Trp; replaces cysteine 30 with tryptophan.
Molecular consequence: missense variant. On other transcripts: non-coding transcript variant (1).
Genome position (GRCh38, 1-based): chr6:57,210,291, G>C on the plus strand (C>G on the coding strand, the complement: RAB23 is on the minus strand). VCF-style: chr6-57210291-G-C. GRCh37 (hg19) VCF-style: chr6-57075089-G-C.
Other names: c.90C>G, p.Cys30Trp (NM_001278666.2, NM_001278667.2, NM_001278668.2 and 1 more transcripts); short protein forms C30W.
Identifiers: ClinVar variation 934995 (VCV000934995.5), dbSNP rs776515230, ClinGen allele CA3873925.
Genomic context (GRCh38, chr6:57,210,291, plus strand): 5'-TTGTCGCTCCAAAAAATCAACTCCAATGGTTTTCTTGTAGTCTTTTGTAAAAATGCCTTT[G>C]CAATATCGCTGAATCATACTTGATTTTCCAACTGCTCCATTCCCTACAACCACCATCTTT-3'
Protein context (NP_057361.3, residues 20-40): VGKSSMIQRY[Cys30Trp]KGIFTKDYKK

ClinVar aggregate classification (germline): Uncertain significance. Review status: criteria provided, multiple submitters, no conflicts (2 of 4 stars). 3 submissions from 3 submitters: Uncertain significance (2). 1 of the submissions does not count toward it. Last evaluated 2025-05-01.

Conditions:
RAB23-related disorder. Also called: RAB23-related condition.
Carpenter syndrome. Identifiers: Orphanet 65759, MedGen C1275078, MONDO:0019012.
RAB23-related Carpenter syndrome. Also called: ACPS II; Carpenter syndrome 1. Identifiers: Orphanet 65759, MedGen C4551510, MONDO:0008710, OMIM 201000.

Allele frequency attached by ClinVar (database versions not stated): TOPMed 0.00003; gnomAD exomes 0.00003; ExAC 0.00002; gnomAD 0.00005 and 0.00006.
gnomAD v4.1: 20 of 1,613,782 alleles (0.0012%); highest among the groups gnomAD compares: Admixed American, 0.02%; no homozygotes.

Submissions (3):

PreventionGenetics, part of Exact Sciences
Classification: Uncertain significance for RAB23-related condition. Last evaluated: 2025-05-01. Review status: criteria provided, single submitter. Criteria: ACMG Guidelines, 2015. Collection method: clinical testing. Allele origin: germline.
Comment: The RAB23 c.90C>G variant is predicted to result in the amino acid substitution p.Cys30Trp. To our knowledge, this variant has not been reported in the literature. This variant is reported in 0.020% of alleles in individuals of Latino descent in gnomAD. At this time, the clinical significance of this variant is uncertain due to the absence of conclusive functional and genetic evidence.

Labcorp Genetics (formerly Invitae), Labcorp
Classification: Uncertain significance for Carpenter syndrome. Last evaluated: 2021-09-02. Review status: criteria provided, single submitter. Criteria: Invitae Variant Classification Sherloc (09022015). Collection method: clinical testing. Allele origin: germline.
Comment: This sequence change replaces cysteine with tryptophan at codon 30 of the RAB23 protein (p.Cys30Trp). The cysteine residue is highly conserved and there is a large physicochemical difference between cysteine and tryptophan. This variant is present in population databases (rs776515230, ExAC 0.02%). This variant has not been reported in the literature in individuals affected with RAB23-related conditions. Algorithms developed to predict the effect of missense changes on protein structure and function (SIFT, PolyPhen-2, Align-GVGD) all suggest that this variant is likely to be disruptive. In summary, the available evidence is currently insufficient to determine the role of this variant in disease. Therefore, it has been classified as a Variant of Uncertain Significance.

Natera, Inc.
Classification: Uncertain significance for Carpenter syndrome 1. Last evaluated: 2020-03-15. Review status: no assertion criteria provided. Collection method: clinical testing. Allele origin: germline. Not counted in ClinVar's aggregate classification.